The following is an entry in ClinVar:

NM_014000.3(VCL):c.1736C>T (p.Ser579Phe)

Gene: VCL (vinculin; plus strand). Cytogenetic location: 10q22.2.
Variant type: single nucleotide variant.
Coding change: c.1736C>T on transcript NM_014000.3 (MANE Select); coding-DNA position 1736, C replaced by T.
Protein change: p.Ser579Phe; replaces serine 579 with phenylalanine.
Molecular consequence: missense variant.
Genome position (GRCh38, 1-based): chr10:74,095,848, C>T. VCF-style: chr10-74095848-C-T. GRCh37 (hg19) VCF-style: chr10-75855606-C-T.
Other names: c.1736C>T, p.Ser579Phe (NM_003373.4); short protein forms S579F.
Identifiers: ClinVar variation 3814839 (VCV003814839.1).

ClinVar aggregate classification (germline): Uncertain significance (1 of 4 stars; one submission).

Conditions:
Cardiovascular phenotype. Identifiers: MedGen CN230736.

gnomAD v4.1: 5 of 1,613,638 alleles (0.00031%); highest among the groups gnomAD compares: East Asian, 0.0022%; no homozygotes.

Submission:

Ambry Genetics
Classification: Uncertain significance for Cardiovascular phenotype. Last evaluated: 2025-02-06. Review status: criteria provided, single submitter. Criteria: Ambry Variant Classification Scheme 2023. Collection method: clinical testing. Allele origin: germline.
Comment: The p.S579F variant (also known as c.1736C>T), located in coding exon 12 of the VCL gene, results from a C to T substitution at nucleotide position 1736. The serine at codon 579 is replaced by phenylalanine, an amino acid with highly dissimilar properties. This amino acid position is conserved. In addition, the in silico prediction for this alteration is inconclusive. Based on the available evidence, the clinical significance of this variant remains unclear.